The following is an entry in ClinVar:

NM_000310.4(PPT1):c.696T>G (p.Asn232Lys)

Gene: PPT1 (palmitoyl-protein thioesterase 1; minus strand). Cytogenetic location: 1p34.2.
Variant type: single nucleotide variant.
Coding change: c.696T>G on transcript NM_000310.4 (MANE Select); coding-DNA position 696, T replaced by G.
Protein change: p.Asn232Lys; replaces asparagine 232 with lysine.
Molecular consequence: missense variant.
Genome position (GRCh38, 1-based): chr1:40,078,590, A>C on the plus strand (T>G on the coding strand, the complement: PPT1 is on the minus strand). VCF-style: chr1-40078590-A-C. GRCh37 (hg19) VCF-style: chr1-40544262-A-C.
Other names: c.387T>G, p.Asn129Lys (NM_001142604.2); c.696T>G, p.Asn232Lys (NM_001363695.2); short protein forms N232K, N129K.
Identifiers: ClinVar variation 2175983 (VCV002175983.1), dbSNP rs746776515, ClinGen allele CA339846676.

ClinVar aggregate classification (germline): Uncertain significance (1 of 4 stars; one submission).

Conditions:
Neuronal ceroid lipofuscinosis 1 (CLN1). Also called: CEROID LIPOFUSCINOSIS, NEURONAL, 1, VARIABLE AGE AT ONSET; PPT1-Related Neuronal Ceroid-Lipofuscinosis. Identifiers: Orphanet 228329, MedGen C1850451, MONDO:0009744, OMIM 256730.

Submission:

Labcorp Genetics (formerly Invitae), Labcorp
Classification: Uncertain significance for Neuronal ceroid lipofuscinosis 1. Last evaluated: 2022-03-11. Review status: criteria provided, single submitter. Criteria: Invitae Variant Classification Sherloc (09022015). Collection method: clinical testing. Allele origin: germline.
Comment: This sequence change replaces asparagine, which is neutral and polar, with lysine, which is basic and polar, at codon 232 of the PPT1 protein (p.Asn232Lys). This variant is not present in population databases (gnomAD no frequency). This variant has not been reported in the literature in individuals affected with PPT1-related conditions. Advanced modeling of protein sequence and biophysical properties (such as structural, functional, and spatial information, amino acid conservation, physicochemical variation, residue mobility, and thermodynamic stability) performed at Invitae indicates that this missense variant is not expected to disrupt PPT1 protein function. Algorithms developed to predict the effect of sequence changes on RNA splicing suggest that this variant may create or strengthen a splice site. In summary, the available evidence is currently insufficient to determine the role of this variant in disease. Therefore, it has been classified as a Variant of Uncertain Significance.